The following is an entry in ClinVar:

ClinVar aggregate classification (germline): Uncertain significance. Review status: criteria provided, multiple submitters, no conflicts (2 of 4 stars). 2 submissions from 2 submitters: Uncertain significance (2). Last evaluated 2025-12-10.

Conditions:
Renal dysplasia, cystic, susceptibility to. Identifiers: MedGen C3275898, MONDO:0011037, OMIM 601331.

gnomAD v4.1: 1 of 1,613,294 alleles (0.000062%); highest among the groups gnomAD compares: Non-Finnish European, 0.000085%; no homozygotes.

Submissions (2):

Labcorp Genetics (formerly Invitae), Labcorp
Classification: Uncertain significance. Last evaluated: 2025-12-10. Review status: criteria provided, single submitter. Criteria: Invitae Variant Classification Sherloc (09022015). Collection method: clinical testing. Allele origin: germline.
Comment: This sequence change replaces asparagine, which is neutral and polar, with serine, which is neutral and polar, at codon 476 of the BICC1 protein (p.Asn476Ser). This variant is present in population databases (no rsID available, gnomAD 0.0009%). This variant has not been reported in the literature in individuals affected with BICC1-related conditions. ClinVar contains an entry for this variant (Variation ID: 3596073). An algorithm developed to predict the effect of missense changes on protein structure and function (PolyPhen-2) suggests that this variant is likely to be tolerated. In summary, the available evidence is currently insufficient to determine the role of this variant in disease. Therefore, it has been classified as a Variant of Uncertain Significance.

Fulgent Genetics
Classification: Uncertain significance for Renal dysplasia, cystic, susceptibility to. Last evaluated: 2024-01-30. Review status: criteria provided, single submitter. Criteria: ACMG Guidelines, 2015. Collection method: clinical testing. Allele origin: germline.

NM_001080512.3(BICC1):c.1427A>G (p.Asn476Ser)

Gene: BICC1 (BicC family RNA binding protein 1; plus strand). Cytogenetic location: 10q21.1.
Variant type: single nucleotide variant.
Coding change: c.1427A>G on transcript NM_001080512.3 (MANE Select); coding-DNA position 1427, A replaced by G.
Protein change: p.Asn476Ser; replaces asparagine 476 with serine.
Molecular consequence: missense variant.
Genome position (GRCh38, 1-based): chr10:58,798,459, A>G. VCF-style: chr10-58798459-A-G. GRCh37 (hg19) VCF-style: chr10-60558219-A-G.
Other names: short protein forms N476S.
Identifiers: ClinVar variation 3596073 (VCV003596073.2).